The following is an entry in ClinVar:

NM_004560.4(ROR2):c.1321C>T (p.Arg441Trp)

Gene: ROR2 (receptor tyrosine kinase like orphan receptor 2; minus strand). Cytogenetic location: 9q22.31.
Variant type: single nucleotide variant.
Coding change: c.1321C>T on transcript NM_004560.4 (MANE Select); coding-DNA position 1321, C replaced by T.
Protein change: p.Arg441Trp; replaces arginine 441 with tryptophan.
Molecular consequence: missense variant. On other transcripts: synonymous variant (1).
Genome position (GRCh38, 1-based): chr9:91,726,606, G>A on the plus strand (C>T on the coding strand, the complement: ROR2 is on the minus strand). VCF-style: chr9-91726606-G-A. GRCh37 (hg19) VCF-style: chr9-94488888-G-A.
Other names: c.1287C>T, p.Ser429= (NM_001318204.2); short protein forms R441W.
Identifiers: ClinVar variation 1488017 (VCV001488017.6), dbSNP rs762451478, ClinGen allele CA5120726.

ClinVar aggregate classification (germline): Uncertain significance (1 of 4 stars; one submission).

Allele frequency attached by ClinVar (database versions not stated): ExAC 0.00001; gnomAD exomes 0.00002; TOPMed 0.00003.
gnomAD v4.1: 26 of 1,613,702 alleles (0.0016%); highest among the groups gnomAD compares: African/African-American, 0.004%; no homozygotes.

Submission:

Labcorp Genetics (formerly Invitae), Labcorp
Classification: Uncertain significance. Last evaluated: 2025-11-21. Review status: criteria provided, single submitter. Criteria: Invitae Variant Classification Sherloc (09022015). Collection method: clinical testing. Allele origin: germline.
Comment: This sequence change replaces arginine, which is basic and polar, with tryptophan, which is neutral and slightly polar, at codon 441 of the ROR2 protein (p.Arg441Trp). This variant is present in population databases (rs762451478, gnomAD 0.008%). This variant has not been reported in the literature in individuals affected with ROR2-related conditions. ClinVar contains an entry for this variant (Variation ID: 1488017). Invitae Evidence Modeling of protein sequence and biophysical properties (such as structural, functional, and spatial information, amino acid conservation, physicochemical variation, residue mobility, and thermodynamic stability) indicates that this missense variant is not expected to disrupt ROR2 protein function with a negative predictive value of 80%. In summary, the available evidence is currently insufficient to determine the role of this variant in disease. Therefore, it has been classified as a Variant of Uncertain Significance.